The following is an entry in ClinVar:

NM_001165963.4(SCN1A):c.1615G>T (p.Glu539Ter)

Gene: SCN1A (sodium voltage-gated channel alpha subunit 1; minus strand). Cytogenetic location: 2q24.3.
Variant type: single nucleotide variant.
Coding change: c.1615G>T on transcript NM_001165963.4 (MANE Select); coding-DNA position 1615, G replaced by T.
Protein change: p.Glu539Ter; replaces glutamic acid 539 with a stop codon.
Molecular consequence: nonsense. On other transcripts: 5 prime UTR variant (1), non-coding transcript variant (1).
Genome position (GRCh38, 1-based): chr2:166,045,090, C>A on the plus strand (G>T on the coding strand, the complement: SCN1A is on the minus strand). VCF-style: chr2-166045090-C-A. GRCh37 (hg19) VCF-style: chr2-166901600-C-A.
Other names: c.1615G>T, p.Glu539Ter (NM_001165964.3, NM_001202435.3, NM_001353948.2 and 7 more transcripts); c.1612G>T, p.Glu538Ter (NM_001353954.2, NM_001353955.2, NM_001353960.2); c.-811G>T (NM_001353961.2); short protein forms E538*, E539*.
Identifiers: ClinVar variation 5018844 (VCV005018844.1).

ClinVar aggregate classification (germline): Pathogenic (1 of 4 stars; one submission).

Conditions:
Migraine, familial hemiplegic, 3. Identifiers: Orphanet 569, MedGen C1864987, MONDO:0012320, OMIM 609634.
Generalized epilepsy with febrile seizures plus, type 2 (GEFSP2). Also called: GEFS+, TYPE 2. Identifiers: Orphanet 36387, MedGen C1858673, MONDO:0011461, OMIM 604403.
Developmental and epileptic encephalopathy 6B. Also called: Developmental and epileptic encephalopathy 6B, non-Dravet. Identifiers: MedGen C5543353, MONDO:0030268, OMIM 619317.
Severe myoclonic epilepsy in infancy (DRVT). Also called: SEVERE MYOCLONIC EPILEPSY OF INFANCY; Dravet syndrome; Epileptic encephalopathy, early infantile, 6 (Dravet syndrome); DEVELOPMENTAL AND EPILEPTIC ENCEPHALOPATHY 6A; Severe Myoclonic Epilepsy in Infancy (SMEI). Identifiers: Orphanet 33069, MedGen C0751122, MONDO:0100135, OMIM 607208.

Submission:

Juno Genomics, Hangzhou Juno Genomics, Inc
Classification: Pathogenic for Developmental and epileptic encephalopathy 6B; Severe myoclonic epilepsy in infancy; Generalized epilepsy with febrile seizures plus, type 2; Migraine, familial hemiplegic, 3. Review status: criteria provided, single submitter. Criteria: ACMG Guidelines, 2015. Collection method: clinical testing. Allele origin: germline. Affected: yes.
Comment: Absent from controls (or at extremely low frequency if recessive) in Genome Aggregation Database.;Null variant in a gene where loss of function (LOF) is a known mechanism of disease.;De novo (both maternity and paternity confirmed) in a patient with the disease and no family history.